The following is an entry in ClinVar:

ClinVar aggregate classification (germline): Likely pathogenic (1 of 4 stars; one submission).

Conditions:
Glycogen storage disease type III (GSD3). Also called: FORBES DISEASE; Cori disease. Identifiers: Orphanet 366, MedGen C0017922, MONDO:0009291, OMIM 232400.

Submission:

Myriad Genetics, Inc.
Classification: Likely pathogenic for Glycogen storage disease type III. Last evaluated: 2021-12-26. Review status: criteria provided, single submitter. Criteria: Myriad Women's Health Autosomal Recessive and X-Linked Classification Criteria (2021). Collection method: clinical testing. Allele origin: unknown.
Comment: NM_000642.2(AGL):c.3771delC(T1258Hfs*32) is expected to be pathogenic in the context of glycogen storage disease type III. This variant is predicted to lead to an abnormal or absent protein product due to the creation of a premature termination codon in AGL, a gene where loss-of-function variants are known to be pathogenic. Please note: this variant was assessed in the context of healthy population screening.

NM_000642.3(AGL):c.3771del (p.Thr1258fs)

Gene: AGL (amylo-alpha-1,6-glucosidase and 4-alpha-glucanotransferase; plus strand). Cytogenetic location: 1p21.2.
Variant type: Deletion.
Coding change: c.3771del on transcript NM_000642.3 (MANE Select); coding-DNA position 3771, one base deleted (C; older notation c.3771delC).
Protein change: p.Thr1258fs; shifts the reading frame from threonine 1258.
Molecular consequence: frameshift variant.
Genome position (GRCh38, 1-based): chr1:99,910,782, C deleted. VCF-style (leftmost placement, unchanged base first): chr1-99910781-GC-G. GRCh37 (hg19) VCF-style: chr1-100376337-GC-G.
Other names: c.3771delC, p.Thr1258Hisfs (NM_000028.3, NM_000643.3, NM_000644.3 and 1 more transcripts); c.3723delC, p.Thr1242Hisfs (NM_000646.3); c.3750delC, p.Thr1251Hisfs (NM_001425326.1); c.3570delC, p.Thr1191Hisfs (NM_001425327.1); c.3567delC, p.Thr1190Hisfs (NM_001425328.1); c.3432delC, p.Thr1145Hisfs (NM_001425329.1); c.3393delC, p.Thr1132Hisfs (NM_001425332.1); short protein forms T1242fs, T1258fs.
Identifiers: ClinVar variation 1726582 (VCV001726582.2), dbSNP rs2523798563, ClinGen allele CA2580063368.